The following is an entry in ClinVar:

ClinVar aggregate classification (germline): Uncertain significance (1 of 4 stars; one submission).

Conditions:
Hereditary cancer-predisposing syndrome. Also called: Neoplastic Syndromes, Hereditary; Tumor predisposition; Hereditary Cancer Syndrome; Hereditary neoplastic syndrome. Identifiers: Orphanet 140162, MedGen C0027672, MeSH D009386, MONDO:0015356.

Submission:

Ambry Genetics
Classification: Uncertain significance for Hereditary cancer-predisposing syndrome. Last evaluated: 2022-08-23. Review status: criteria provided, single submitter. Criteria: Ambry Variant Classification Scheme 2023. Collection method: clinical testing. Allele origin: germline.
Comment: The p.T71A variant (also known as c.211A>G), located in coding exon 1 of the STK11 gene, results from an A to G substitution at nucleotide position 211. The threonine at codon 71 is replaced by alanine, an amino acid with similar properties. This amino acid position is highly conserved in available vertebrate species. In addition, the in silico prediction for this alteration is inconclusive. Since supporting evidence is limited at this time, the clinical significance of this alteration remains unclear.

NM_000455.5(STK11):c.211A>G (p.Thr71Ala)

Gene: STK11 (serine/threonine kinase 11; plus strand). Cytogenetic location: 19p13.3.
Variant type: single nucleotide variant.
Coding change: c.211A>G on transcript NM_000455.5 (MANE Select); coding-DNA position 211, A replaced by G.
Protein change: p.Thr71Ala; replaces threonine 71 with alanine.
Molecular consequence: missense variant.
Genome position (GRCh38, 1-based): chr19:1,207,124, A>G. VCF-style: chr19-1207124-A-G. GRCh37 (hg19) VCF-style: chr19-1207123-A-G.
Other names: c.211A>G, p.Thr71Ala (NM_001407255.1); short protein forms T71A.
Identifiers: ClinVar variation 1786214 (VCV001786214.2), dbSNP rs1568690334, ClinGen allele CA402944348.
Genomic context (GRCh38, chr19:1,207,124, plus strand): 5'-ATGGGGGACCTGCTGGGGGAAGGCTCTTACGGCAAGGTGAAGGAGGTGCTGGACTCGGAG[A>G]CGCTGTGCAGGAGGGCCGTCAAGATCCTCAAGAAGAAGAAGTTGCGAAGGATCCCCAACG-3'
Protein context (NP_000446.1, residues 61-81): GKVKEVLDSE[Thr71Ala]LCRRAVKILK